The following is an entry in ClinVar:

NM_004409.5(DMPK):c.*224CTG[449]

Genes: DM1-AS (DM1 locus antisense RNA; plus strand), DMPK (DM1 protein kinase; minus strand), LOC107075317 (origin of replication in DMPK trinucleotide repeat region; plus strand), LOC109461477 (dystrophia myotonica protein kinase repeat instability region; plus strand). Cytogenetic location: 19q13.32.
Variant type: Microsatellite.
Coding change: c.*224CTG[449] on transcript NM_004409.5 (MANE Select); 449 copies in a row of the 3-base unit CTG starting at c.*224.
Molecular consequence: 3 prime UTR variant.
Genome position: GRCh38, VCF-style position (the base before the change): chr19:45,770,204. GRCh37 (hg19), VCF-style position (the base before the change): chr19:46,273,462.
Other names: DM1 CTG repeat expansion; c.*224CTG[449] (NM_001288764.2, NM_001424165.1, NM_001424169.1 and 1 more transcripts); c.*217CTG[449] (NM_001288765.2, NM_001424162.1, NM_001424163.1 and 2 more transcripts); c.*369CTG[449] (NM_001288766.2, NM_001424164.1, NM_001424168.1); c.*222_*224TGC[449] (NM_001081563.3).
Identifiers: ClinVar variation 187985 (VCV000187985.2), ClinGen allele CA915951803.

ClinVar aggregate classification (germline): Pathogenic (0 of 4 stars; one submission).

Conditions:
Steinert myotonic dystrophy syndrome (DM1). Also called: STEINERT DISEASE; Myotonic dystrophy type 1; Dystrophia myotonica type 1; Steinert myotonic dystrophy; Steinert's disease. Identifiers: Orphanet 273, MedGen C3250443, MONDO:0008056, OMIM 160900.

Submission:

Institute of Molecular, Cell and Systems Biology, University of Glasgow
Classification: Pathogenic for Steinert myotonic dystrophy syndrome. Review status: no assertion criteria provided. Criteria: research. Collection method: research. Allele origin: germline. Inheritance: Autosomal dominant inheritance. Affected: yes. Observed: 1 heterozygote.
Comment: DMPK CTG repeat expansions greater than approximately 45-50 repeats are assumed to be pathogenic

This record is based on data published in PubMed 25052313, which reports only ClinVar accessions SCV000120188 and SCV000120189. The complete data set includes SCV000207445 - SCV000207579.

Literature cited by the submitters: PubMed 1346923; PubMed 1546326; PubMed 25052313.